The following is an entry in ClinVar:

ClinVar aggregate classification (germline): Conflicting classifications of pathogenicity. Review status: criteria provided, conflicting classifications (1 of 4 stars). 8 submissions from 8 submitters: Uncertain significance (1); Benign (1); Likely benign (5). 1 of the submissions does not count toward it. Last evaluated 2025-12-02.

Conditions:
Cerebral arteriopathy with subcortical infarcts and leukoencephalopathy. Also called: Cerebral autosomal dominant arteriopathy with subcortical infarcts and leukoencephalopathy. Identifiers: MedGen C0751587, MONDO:0007432.

Allele frequency attached by ClinVar (database versions not stated): TOPMed 0.00003; gnomAD 0.00006; ESP Exome Variant Server 0.00023.
gnomAD v4.1: 29 of 1,611,276 alleles (0.0018%); highest among the groups gnomAD compares: Admixed American, 0.012%; no homozygotes.

Submissions (8):

Women's Health and Genetics/Laboratory Corporation of America, LabCorp
Classification: Uncertain significance. Last evaluated: 2025-12-02. Review status: criteria provided, single submitter. Criteria: LabCorp Variant Classification Summary - May 2015. Collection method: clinical testing. Allele origin: germline.
Comment: Variant summary: NOTCH3 c.120C>G (p.Ala40Ala) alters a nucleotide located close to a canonical splice site and therefore could affect mRNA splicing, leading to a significantly altered protein sequence. Consensus agreement among computation tools predict no significant impact on normal splicing. However, these predictions have yet to be confirmed by functional studies. The variant allele was found at a frequency of 2.5e-05 in 242882 control chromosomes. The available data on variant occurrences in the general population are insufficient to allow any conclusion about variant significance. c.120C>G has been observed with two other missense variants in an individual affected with Cerebral Arteriopathy, Autosomal Recessive, With Subcortical Infarcts And Leukoencephalopathy 1 (Dunn_2025). These report(s) do not provide unequivocal conclusions about association of the variant with Cerebral Arteriopathy, Autosomal Recessive, With Subcortical Infarcts And Leukoencephalopathy 1. To our knowledge, no experimental evidence demonstrating an impact on protein function has been reported. The following publication have been ascertained in the context of this evaluation (PMID: 39743006). ClinVar contains an entry for this variant (Variation ID: 256119). Based on the evidence outlined above, the variant was classified as uncertain significance.

Labcorp Genetics (formerly Invitae), Labcorp
Classification: Likely benign. Last evaluated: 2025-08-11. Review status: criteria provided, single submitter. Criteria: Invitae Variant Classification Sherloc (09022015). Collection method: clinical testing. Allele origin: germline.

Mayo Clinic Laboratories, Mayo Clinic
Classification: Likely benign. Last evaluated: 2025-02-13. Review status: criteria provided, single submitter. Criteria: ACMG Guidelines, 2015. Collection method: clinical testing. Allele origin: germline. Observed: 2 variant alleles.
Comment: BS2, BP4, BP7

Athena Diagnostics
Classification: Benign. Last evaluated: 2024-05-17. Review status: criteria provided, single submitter. Criteria: Athena Diagnostics Criteria. Collection method: clinical testing. Allele origin: unknown.

Blueprint Genetics
Classification: Likely benign. Last evaluated: 2023-09-10. Review status: criteria provided, single submitter. Criteria: ACMG Guidelines, 2015. Collection method: clinical testing. Allele origin: germline.

ARUP Laboratories, Molecular Genetics and Genomics, ARUP Laboratories
Classification: Likely benign. Last evaluated: 2019-03-07. Review status: criteria provided, single submitter. Criteria: ARUP Molecular Germline Variant Investigation Process. Collection method: clinical testing. Allele origin: germline.

PreventionGenetics, part of Exact Sciences
Classification: Likely benign. Review status: criteria provided, single submitter. Criteria: ACMG Guidelines, 2015. Collection method: clinical testing. Allele origin: germline.

Molecular Genetics Laboratory, BC Children's and BC Women's Hospitals
Classification: Likely benign for Cerebral arteriopathy with subcortical infarcts and leukoencephalopathy. Last evaluated: 2021-06-30. Review status: no assertion criteria provided. Criteria: ACMG Guidelines, 2015. Collection method: clinical testing. Allele origin: germline. Affected: yes. Not counted in ClinVar's aggregate classification.

Literature cited by the submitters: PubMed 39743006 (cited by Women's Health and Genetics/Laboratory Corporation of America, LabCorp and Mayo Clinic Laboratories, Mayo Clinic).

NM_000435.3(NOTCH3):c.120C>G (p.Ala40=)

Gene: NOTCH3 (notch receptor 3; minus strand). Cytogenetic location: 19p13.12.
Variant type: single nucleotide variant.
Coding change: c.120C>G on transcript NM_000435.3 (MANE Select); coding-DNA position 120, C replaced by G.
Protein change: p.Ala40=; no amino-acid change (alanine 40 retained).
Molecular consequence: synonymous variant.
Genome position (GRCh38, 1-based): chr19:15,197,577, G>C on the plus strand (C>G on the coding strand, the complement: NOTCH3 is on the minus strand). VCF-style: chr19-15197577-G-C. GRCh37 (hg19) VCF-style: chr19-15308388-G-C.
Other names: p.Ala40=.
Identifiers: ClinVar variation 256119 (VCV000256119.23), dbSNP rs146904189, ClinGen allele CA9263997.